The following is an entry in ClinVar:

NM_020754.4(ARHGAP31):c.3882G>A (p.Ser1294=)

Gene: ARHGAP31 (Rho GTPase activating protein 31; plus strand). Cytogenetic location: 3q13.33.
Variant type: single nucleotide variant.
Coding change: c.3882G>A on transcript NM_020754.4 (MANE Select); coding-DNA position 3882, G replaced by A.
Protein change: p.Ser1294=; no amino-acid change (serine 1294 retained).
Molecular consequence: synonymous variant.
Genome position (GRCh38, 1-based): chr3:119,415,811, G>A. VCF-style: chr3-119415811-G-A. GRCh37 (hg19) VCF-style: chr3-119134658-G-A.
Identifiers: ClinVar variation 798650 (VCV000798650.11), dbSNP rs368458596, ClinGen allele CA2554270.

ClinVar aggregate classification (germline): Likely benign. Review status: criteria provided, multiple submitters, no conflicts (2 of 4 stars). 3 submissions from 3 submitters: Likely benign (2). 1 of the submissions does not count toward it. Last evaluated 2024-03-05.

Conditions:
ARHGAP31-related disorder. Also called: ARHGAP31-related condition.

Allele frequency attached by ClinVar (database versions not stated): gnomAD 0.00004 and 0.00007; ESP Exome Variant Server 0.00008; TOPMed 0.00008; ExAC 0.00011; gnomAD exomes 0.00012.
gnomAD v4.1: 150 of 1,614,106 alleles (0.0093%); highest among the groups gnomAD compares: South Asian, 0.054%; 1 homozygote.

Submissions (3):

Blueprint Genetics
Classification: Likely benign. Last evaluated: 2024-03-05. Review status: criteria provided, single submitter. Criteria: ACMG Guidelines, 2015. Collection method: clinical testing. Allele origin: germline.

Labcorp Genetics (formerly Invitae), Labcorp
Classification: Likely benign. Last evaluated: 2023-08-14. Review status: criteria provided, single submitter. Criteria: Invitae Variant Classification Sherloc (09022015). Collection method: clinical testing. Allele origin: germline.

PreventionGenetics, part of Exact Sciences
Classification: Likely benign for ARHGAP31-related condition. Last evaluated: 2019-08-20. Review status: no assertion criteria provided. Collection method: clinical testing. Allele origin: germline. Not counted in ClinVar's aggregate classification.
Comment: This variant is classified as likely benign based on ACMG/AMP sequence variant interpretation guidelines (Richards et al. 2015 PMID: 25741868, with internal and published modifications).